The following is an entry in ClinVar:

NM_020937.4(FANCM):c.1155C>T (p.Phe385=)

Gene: FANCM (FA complementation group M; plus strand). Cytogenetic location: 14q21.2.
Variant type: single nucleotide variant.
Coding change: c.1155C>T on transcript NM_020937.4 (MANE Select); coding-DNA position 1155, C replaced by T.
Protein change: p.Phe385=; no amino-acid change (phenylalanine 385 retained).
Molecular consequence: synonymous variant.
Genome position (GRCh38, 1-based): chr14:45,154,024, C>T. VCF-style: chr14-45154024-C-T. GRCh37 (hg19) VCF-style: chr14-45623227-C-T.
Other names: c.1077C>T, p.Phe359= (NM_001308133.2); c.1155C>T, p.Phe385= (NM_001308134.2).
Identifiers: ClinVar variation 2504978 (VCV002504978.5), dbSNP rs754592572, ClinGen allele CA7168948.

ClinVar aggregate classification (germline): Uncertain significance. Review status: criteria provided, multiple submitters, no conflicts (2 of 4 stars). 2 submissions from 2 submitters: Uncertain significance (2). Last evaluated 2023-07-24.

Conditions:
Fanconi anemia (FA). Also called: Fanconi's anemia. Identifiers: Orphanet 84, MedGen C0015625, MeSH D005199, MONDO:0019391.

Allele frequency attached by ClinVar (database versions not stated): ExAC 0.00001; gnomAD 0.00001.
gnomAD v4.1: 4 of 1,566,958 alleles (0.00026%); highest among the groups gnomAD compares: African/African-American, 0.0054%; no homozygotes.

Submissions (2):

GeneDx
Classification: Uncertain significance. Last evaluated: 2023-07-24. Review status: criteria provided, single submitter. Criteria: GeneDx Variant Classification Process June 2021. Collection method: clinical testing. Allele origin: germline.
Comment: Not observed at significant frequency in large population cohorts (gnomAD); Has not been previously published as pathogenic or benign to our knowledge; In silico analysis is inconclusive as to whether the variant alters gene splicing. In the absence of RNA/functional studies, the actual effect of this sequence change is unknown.

Labcorp Genetics (formerly Invitae), Labcorp
Classification: Uncertain significance for Fanconi anemia. Last evaluated: 2023-02-22. Review status: criteria provided, single submitter. Criteria: Invitae Variant Classification Sherloc (09022015). Collection method: clinical testing. Allele origin: germline.
Comment: In summary, the available evidence is currently insufficient to determine the role of this variant in disease. Therefore, it has been classified as a Variant of Uncertain Significance. This sequence change affects codon 385 of the FANCM mRNA. It is a 'silent' change, meaning that it does not change the encoded amino acid sequence of the FANCM protein. This variant is present in population databases (rs754592572, gnomAD 0.007%). This variant has not been reported in the literature in individuals affected with FANCM-related conditions. Algorithms developed to predict the effect of sequence changes on RNA splicing suggest that this variant may disrupt the consensus splice site.